The following is an entry in ClinVar:

ClinVar aggregate classification (germline): Uncertain significance (1 of 4 stars; one submission).

Conditions:
Ullrich congenital muscular dystrophy 2 (UCMD2). Identifiers: Orphanet 75840, MedGen C4225314, MONDO:0014654, OMIM 616470.
Bethlem myopathy 2 (BTHLM2). Identifiers: Orphanet 536516, Orphanet 610, MedGen C4225313, MONDO:0034022, OMIM 616471.

Allele frequency attached by ClinVar (database versions not stated): TOPMed below 0.00001; gnomAD 0.00001.
gnomAD v4.1: 1 of 1,613,958 alleles (0.000062%); highest among the groups gnomAD compares: Non-Finnish European, 0.000085%; no homozygotes.

Submission:

Labcorp Genetics (formerly Invitae), Labcorp
Classification: Uncertain significance for Bethlem myopathy 2; Ullrich congenital muscular dystrophy 2. Last evaluated: 2022-09-23. Review status: criteria provided, single submitter. Criteria: Invitae Variant Classification Sherloc (09022015). Collection method: clinical testing. Allele origin: germline.
Comment: In summary, the available evidence is currently insufficient to determine the role of this variant in disease. Therefore, it has been classified as a Variant of Uncertain Significance. This sequence change replaces serine, which is neutral and polar, with arginine, which is basic and polar, at codon 1858 of the COL12A1 protein (p.Ser1858Arg). This variant is not present in population databases (gnomAD no frequency). This variant has not been reported in the literature in individuals affected with COL12A1-related conditions. Advanced modeling of protein sequence and biophysical properties (such as structural, functional, and spatial information, amino acid conservation, physicochemical variation, residue mobility, and thermodynamic stability) performed at Invitae indicates that this missense variant is expected to disrupt COL12A1 protein function.

NM_004370.6(COL12A1):c.5574C>A (p.Ser1858Arg)

Gene: COL12A1 (collagen type XII alpha 1 chain; minus strand). Cytogenetic location: 6q13.
Variant type: single nucleotide variant.
Coding change: c.5574C>A on transcript NM_004370.6 (MANE Select); coding-DNA position 5574, C replaced by A.
Protein change: p.Ser1858Arg; replaces serine 1858 with arginine.
Molecular consequence: missense variant.
Genome position (GRCh38, 1-based): chr6:75,133,948, G>T on the plus strand (C>A on the coding strand, the complement: COL12A1 is on the minus strand). VCF-style: chr6-75133948-G-T. GRCh37 (hg19) VCF-style: chr6-75843664-G-T.
Other names: c.2082C>A, p.Ser694Arg (NM_080645.3); short protein forms S694R, S1858R.
Identifiers: ClinVar variation 2103751 (VCV002103751.4), dbSNP rs1191419575, ClinGen allele CA364735244.